The following is an entry in ClinVar:

ClinVar aggregate classification (germline): Uncertain significance. Review status: criteria provided, multiple submitters, no conflicts (2 of 4 stars). 2 submissions from 2 submitters: Uncertain significance (2). Last evaluated 2025-11-11.

Conditions:
Fanconi anemia (FA). Also called: Fanconi's anemia. Identifiers: Orphanet 84, MedGen C0015625, MeSH D005199, MONDO:0019391.
Fanconi anemia complementation group I (FANCI). Also called: FANCI-Related Fanconi Anemia. Identifiers: Orphanet 84, MedGen C1836861, MONDO:0012186, OMIM 609053.

gnomAD v4.1: 3 of 1,575,494 alleles (0.00019%); highest among the groups gnomAD compares: Middle Eastern, 0.057%; no homozygotes.

Submissions (2):

Labcorp Genetics (formerly Invitae), Labcorp
Classification: Uncertain significance for Fanconi anemia. Last evaluated: 2025-11-11. Review status: criteria provided, single submitter. Criteria: Invitae Variant Classification Sherloc (09022015). Collection method: clinical testing. Allele origin: germline.
Comment: This sequence change replaces lysine, which is basic and polar, with asparagine, which is neutral and polar, at codon 331 of the FANCI protein (p.Lys331Asn). This variant is present in population databases (no rsID available, gnomAD 0.001%). This variant has not been reported in the literature in individuals affected with FANCI-related conditions. ClinVar contains an entry for this variant (Variation ID: 3577892). Invitae Evidence Modeling of protein sequence and biophysical properties (such as structural, functional, and spatial information, amino acid conservation, physicochemical variation, residue mobility, and thermodynamic stability) indicates that this missense variant is expected to disrupt FANCI protein function with a positive predictive value of 80%. In summary, the available evidence is currently insufficient to determine the role of this variant in disease. Therefore, it has been classified as a Variant of Uncertain Significance.

Fulgent Genetics
Classification: Uncertain significance for Fanconi anemia complementation group I. Last evaluated: 2024-03-01. Review status: criteria provided, single submitter. Criteria: ACMG Guidelines, 2015. Collection method: clinical testing. Allele origin: germline.

NM_001113378.2(FANCI):c.993G>C (p.Lys331Asn)

Gene: FANCI (FA complementation group I; plus strand). Cytogenetic location: 15q26.1.
Variant type: single nucleotide variant.
Coding change: c.993G>C on transcript NM_001113378.2 (MANE Select); coding-DNA position 993, G replaced by C.
Protein change: p.Lys331Asn; replaces lysine 331 with asparagine.
Molecular consequence: missense variant.
Genome position (GRCh38, 1-based): chr15:89,274,185, G>C. VCF-style: chr15-89274185-G-C. GRCh37 (hg19) VCF-style: chr15-89817416-G-C.
Other names: c.714G>C, p.Lys238Asn (NM_001376910.1); c.993G>C, p.Lys331Asn (NM_001376911.1, NM_018193.3); short protein forms K238N, K331N.
Identifiers: ClinVar variation 3577892 (VCV003577892.2).